The following is an entry in ClinVar:

NM_015178.3(RHOBTB2):c.1860+3A>T

Gene: RHOBTB2 (Rho related BTB domain containing 2; plus strand). Cytogenetic location: 8p21.3.
Variant type: single nucleotide variant.
Coding change: c.1860+3A>T on transcript NM_015178.3 (MANE Select); 3 bases into the intron after coding-DNA position 1860, A replaced by T.
Molecular consequence: intron variant.
Genome position (GRCh38, 1-based): chr8:23,014,781, A>T. VCF-style: chr8-23014781-A-T. GRCh37 (hg19) VCF-style: chr8-22872294-A-T.
Other names: c.1926+3A>T (NM_001160036.2); c.1881+3A>T (NM_001160037.2); c.1860+3A>T (NM_001374791.1).
Identifiers: ClinVar variation 2020601 (VCV002020601.4), dbSNP rs1811243965, ClinGen allele CA1770696743.

ClinVar aggregate classification (germline): Uncertain significance (1 of 4 stars; one submission).

gnomAD v4.1: 4 of 1,612,144 alleles (0.00025%); highest among the groups gnomAD compares: East Asian, 0.0089%; no homozygotes.

Submission:

Labcorp Genetics (formerly Invitae), Labcorp
Classification: Uncertain significance. Last evaluated: 2022-08-08. Review status: criteria provided, single submitter. Criteria: Invitae Variant Classification Sherloc (09022015). Collection method: clinical testing. Allele origin: germline.
Comment: In summary, the available evidence is currently insufficient to determine the role of this variant in disease. Therefore, it has been classified as a Variant of Uncertain Significance. This sequence change falls in intron 10 of the RHOBTB2 gene. It does not directly change the encoded amino acid sequence of the RHOBTB2 protein. It affects a nucleotide within the consensus splice site. This variant is not present in population databases (gnomAD no frequency). This variant has not been reported in the literature in individuals affected with RHOBTB2-related conditions. Variants that disrupt the consensus splice site are a relatively common cause of aberrant splicing (PMID: 17576681, 9536098). Algorithms developed to predict the effect of sequence changes on RNA splicing suggest that this variant is not likely to affect RNA splicing.

Literature cited by the submitters: PubMed 17576681; PubMed 9536098.